The following is an entry in ClinVar:

ClinVar aggregate classification (germline): Likely benign (1 of 4 stars; one submission).

Allele frequency attached by ClinVar (database versions not stated): gnomAD exomes 0.00003; gnomAD 0.00015; TOPMed 0.00019.
gnomAD v4.1: 62 of 1,511,672 alleles (0.0041%); highest among the groups gnomAD compares: Middle Eastern, 0.12%; 1 homozygote.

Submission:

CeGaT Center for Human Genetics Tuebingen
Classification: Likely benign. Last evaluated: 2023-03-01. Review status: criteria provided, single submitter. Criteria: CeGaT Center For Human Genetics Tuebingen Variant Classification Criteria Version 2. Collection method: clinical testing. Allele origin: germline. Affected: yes. Observed: 1 variant allele.
Comment: PABPN1: BP4, BP7

NM_004643.4(PABPN1):c.178C>T (p.Leu60=)

Genes: BCL2L2-PABPN1 (BCL2L2-PABPN1 readthrough; plus strand), PABPN1 (poly(A) binding protein nuclear 1; plus strand). Cytogenetic location: 14q11.2.
Variant type: single nucleotide variant.
Coding change: c.178C>T on transcript NM_004643.4 (MANE Select); coding-DNA position 178, C replaced by T.
Protein change: p.Leu60=; no amino-acid change (leucine 60 retained).
Molecular consequence: synonymous variant. On other transcripts: intron variant (8).
Genome position (GRCh38, 1-based): chr14:23,321,647, C>T. VCF-style: chr14-23321647-C-T. GRCh37 (hg19) VCF-style: chr14-23790856-C-T.
Other names: c.178C>T, p.Leu60= (NM_001360551.3); c.529-534C>T (NM_001387343.1, NM_001387342.1, NM_001387344.1 and 1 more transcripts); c.433-534C>T (NM_001387345.1, NM_001387346.1, NM_001199864.3); c.550-534C>T (NM_001387340.1).
Identifiers: ClinVar variation 2644092 (VCV002644092.24), dbSNP rs1017270268, ClinGen allele CA257773702.